The following is an entry in ClinVar:

ClinVar aggregate classification (germline): Uncertain significance (1 of 4 stars; one submission).

Submission:

Labcorp Genetics (formerly Invitae), Labcorp
Classification: Uncertain significance. Last evaluated: 2022-04-06. Review status: criteria provided, single submitter. Criteria: Invitae Variant Classification Sherloc (09022015). Collection method: clinical testing. Allele origin: germline.
Comment: This variant is not present in population databases (gnomAD no frequency). This sequence change replaces glutamic acid, which is acidic and polar, with lysine, which is basic and polar, at codon 289 of the PIGV protein (p.Glu289Lys). This variant has not been reported in the literature in individuals affected with PIGV-related conditions. In summary, the available evidence is currently insufficient to determine the role of this variant in disease. Therefore, it has been classified as a Variant of Uncertain Significance. Algorithms developed to predict the effect of missense changes on protein structure and function (SIFT, PolyPhen-2, Align-GVGD) all suggest that this variant is likely to be tolerated.

NM_017837.4(PIGV):c.865G>A (p.Glu289Lys)

Gene: PIGV (phosphatidylinositol glycan anchor biosynthesis class V; plus strand). Cytogenetic location: 1p36.11.
Variant type: single nucleotide variant.
Coding change: c.865G>A on transcript NM_017837.4 (MANE Select); coding-DNA position 865, G replaced by A.
Protein change: p.Glu289Lys; replaces glutamic acid 289 with lysine.
Molecular consequence: missense variant. On other transcripts: non-coding transcript variant (1), intron variant (1).
Genome position (GRCh38, 1-based): chr1:26,794,899, G>A. VCF-style: chr1-26794899-G-A. GRCh37 (hg19) VCF-style: chr1-27121390-G-A.
Other names: c.865G>A, p.Glu289Lys (NM_001202554.2, NM_001374478.1, NM_001374480.1 and 2 more transcripts); c.484G>A, p.Glu162Lys (NM_001374483.1); c.238G>A, p.Glu80Lys (NM_001374484.1, NM_001374485.1); c.79-2664G>A (NM_001374486.1); short protein forms E162K, E289K, E80K.
Identifiers: ClinVar variation 2121297 (VCV002121297.4), dbSNP rs1570644301, ClinGen allele CA339200917.